The following is an entry in ClinVar:

NM_016816.4(OAS1):c.529T>G (p.Cys177Gly)

Gene: OAS1 (2'-5'-oligoadenylate synthetase 1; plus strand). Cytogenetic location: 12q24.13.
Variant type: single nucleotide variant.
Coding change: c.529T>G on transcript NM_016816.4 (MANE Select); coding-DNA position 529, T replaced by G.
Protein change: p.Cys177Gly; replaces cysteine 177 with glycine.
Molecular consequence: missense variant.
Genome position (GRCh38, 1-based): chr12:112,911,110, T>G. VCF-style: chr12-112911110-T-G. GRCh37 (hg19) VCF-style: chr12-113348915-T-G.
Other names: c.529T>G (NM_016816.2); c.529T>G, p.Cys177Gly (NM_001032409.3, NM_001320151.2, NM_002534.4); short protein forms C177G.
Identifiers: ClinVar variation 1436431 (VCV001436431.7), dbSNP rs749058072, ClinGen allele CA6799808.
Genomic context (GRCh38, chr12:112,911,110, plus strand): 5'-GGTCAGTTGACTGGCGGCTATAAACCTAACCCCCAAATCTATGTCAAGCTCATCGAGGAG[T>G]GCACCGACCTGCAGAAAGAGGGCGAGTTCTCCACCTGCTTCACAGAACTACAGAGAGACT-3'
Protein context (NP_058132.2, residues 167-187): PQIYVKLIEE[Cys177Gly]TDLQKEGEFS

ClinVar aggregate classification (germline): Uncertain significance. Review status: criteria provided, multiple submitters, no conflicts (2 of 4 stars). 2 submissions from 2 submitters: Uncertain significance (2). Last evaluated 2025-10-14.

Allele frequency attached by ClinVar (database versions not stated): ExAC 0.00002; TOPMed 0.00003; gnomAD exomes 0.00004.

Submissions (2):

Labcorp Genetics (formerly Invitae), Labcorp
Classification: Uncertain significance. Last evaluated: 2025-10-14. Review status: criteria provided, single submitter. Criteria: Invitae Variant Classification Sherloc (09022015). Collection method: clinical testing. Allele origin: germline.
Comment: This sequence change replaces cysteine, which is neutral and slightly polar, with glycine, which is neutral and non-polar, at codon 177 of the OAS1 protein (p.Cys177Gly). This variant is present in population databases (rs749058072, gnomAD 0.03%). This variant has not been reported in the literature in individuals affected with OAS1-related conditions. ClinVar contains an entry for this variant (Variation ID: 1436431). An algorithm developed to predict the effect of missense changes on protein structure and function (PolyPhen-2) suggests that this variant is likely to be tolerated. In summary, the available evidence is currently insufficient to determine the role of this variant in disease. Therefore, it has been classified as a Variant of Uncertain Significance.

Ambry Genetics
Classification: Uncertain significance. Last evaluated: 2025-08-12. Review status: criteria provided, single submitter. Criteria: Ambry Variant Classification Scheme 2023. Collection method: clinical testing. Allele origin: germline.